The following is an entry in ClinVar:

ClinVar aggregate classification (germline): Uncertain significance. Review status: criteria provided, multiple submitters, no conflicts (2 of 4 stars). 5 submissions from 5 submitters: Uncertain significance (5). Last evaluated 2026-08-06.

Conditions:
DST-related disorder. Also called: DST-related disorders; DST-related condition.
Inborn genetic diseases. Identifiers: MedGen C0950123, MeSH D030342.
Hereditary sensory and autonomic neuropathy type 6. Also called: Neuropathy, hereditary sensory and autonomic, type VI; HSAN VI. Identifiers: Orphanet 314381, MedGen C3539003, MONDO:0013839, OMIM 614653.
Epidermolysis bullosa simplex 3, localized or generalized intermediate, with BP230 deficiency (EBS3). Also called: Epidermolysis bullosa simplex, autosomal recessive 2; Epidermolysis bullosa simplex due to BP230 deficiency. Identifiers: Orphanet 412181, MedGen C3809470, MONDO:0014180, OMIM 615425.

Allele frequency attached by ClinVar (database versions not stated): ESP Exome Variant Server 0.00008; TOPMed 0.00010; gnomAD 0.00011; ExAC 0.00012; gnomAD exomes 0.00016.
gnomAD v4.1: 168 of 1,613,832 alleles (0.01%); highest among the groups gnomAD compares: Non-Finnish European, 0.013%; no homozygotes.

Submissions (5):

PreventionGenetics, part of Exact Sciences
Classification: Uncertain significance for DST-related condition. Last evaluated: 2026-08-06. Review status: criteria provided, single submitter. Criteria: ACMG Guidelines, 2015. Collection method: clinical testing. Allele origin: germline.
Comment: The DST c.16976C>T variant is predicted to result in the amino acid substitution p.Thr5659Met. To our knowledge, this variant has not been reported in the literature. This variant is reported in 0.025% of alleles in individuals of European (Non-Finnish) descent in gnomAD. At this time, the clinical significance of this variant is uncertain due to the absence of conclusive functional and genetic evidence.

Labcorp Genetics (formerly Invitae), Labcorp
Classification: Uncertain significance for Epidermolysis bullosa simplex 3, localized or generalized intermediate, with BP230 deficiency; Hereditary sensory and autonomic neuropathy type 6. Last evaluated: 2024-10-17. Review status: criteria provided, single submitter. Criteria: Invitae Variant Classification Sherloc (09022015). Collection method: clinical testing. Allele origin: germline.
Comment: The DST gene has multiple clinically relevant transcripts. This variant occurs in alternate transcript NM_015548.4, and corresponds to NM_001723.5:c.*156460C>T in the primary transcript. This sequence change replaces threonine, which is neutral and polar, with methionine, which is neutral and non-polar, at codon 5155 of the DST protein (p.Thr5155Met). This variant is present in population databases (rs367598583, gnomAD 0.02%). This variant has not been reported in the literature in individuals affected with DST-related conditions. ClinVar contains an entry for this variant (Variation ID: 970134). An algorithm developed to predict the effect of missense changes on protein structure and function outputs the following: PolyPhen-2: "Not Available". The methionine amino acid residue is found in multiple mammalian species, which suggests that this missense change does not adversely affect protein function. In summary, the available evidence is currently insufficient to determine the role of this variant in disease. Therefore, it has been classified as a Variant of Uncertain Significance.

Ambry Genetics
Classification: Uncertain significance for Inborn genetic diseases. Last evaluated: 2023-05-08. Review status: criteria provided, single submitter. Criteria: Ambry Variant Classification Scheme 2023. Collection method: clinical testing. Allele origin: germline.

CeGaT Center for Human Genetics Tuebingen
Classification: Uncertain significance. Last evaluated: 2022-08-01. Review status: criteria provided, single submitter. Criteria: CeGaT Center For Human Genetics Tuebingen Variant Classification Criteria Version 2. Collection method: clinical testing. Allele origin: germline. Affected: yes. Observed: 1 variant allele.

Mayo Clinic Laboratories, Mayo Clinic
Classification: Uncertain significance. Last evaluated: 2021-05-06. Review status: criteria provided, single submitter. Criteria: ACMG Guidelines, 2015. Collection method: clinical testing. Allele origin: germline.

NM_001374736.1(DST):c.23405C>T (p.Thr7802Met)

Gene: DST (dystonin; minus strand). Cytogenetic location: 6p12.1.
Variant type: single nucleotide variant.
Coding change: c.23405C>T on transcript NM_001374736.1 (MANE Select); coding-DNA position 23405, C replaced by T.
Protein change: p.Thr7802Met; replaces threonine 7802 with methionine.
Molecular consequence: missense variant.
Genome position (GRCh38, 1-based): chr6:56,459,057, G>A on the plus strand (C>T on the coding strand, the complement: DST is on the minus strand). VCF-style: chr6-56459057-G-A. GRCh37 (hg19) VCF-style: chr6-56323855-G-A.
Other names: p.Thr5155Met; c.16976C>T, p.Thr5659Met (NM_001144769.5); c.16562C>T, p.Thr5521Met (NM_001144770.2); c.23333C>T, p.Thr7778Met (NM_001374722.1); c.22334C>T, p.Thr7445Met (NM_001374729.1); c.16076C>T, p.Thr5359Met (NM_001374730.1); c.23360C>T, p.Thr7787Met (NM_001374734.1); c.15464C>T, p.Thr5155Met (NM_015548.5); and 1 more; short protein forms T7778M, T5155M, T5481M, T5521M, T5659M, T7445M, T7787M, T5359M.
Identifiers: ClinVar variation 970134 (VCV000970134.43), dbSNP rs367598583, ClinGen allele CA3865973.